The following is an entry in ClinVar:

NM_003489.4(NRIP1):c.2395G>A (p.Glu799Lys)

Gene: NRIP1 (nuclear receptor interacting protein 1; minus strand). Cytogenetic location: 21q11.2.
Variant type: single nucleotide variant.
Coding change: c.2395G>A on transcript NM_003489.4 (MANE Select); coding-DNA position 2395, G replaced by A.
Protein change: p.Glu799Lys; replaces glutamic acid 799 with lysine.
Molecular consequence: missense variant.
Genome position (GRCh38, 1-based): chr21:14,965,798, C>T on the plus strand (G>A on the coding strand, the complement: NRIP1 is on the minus strand). VCF-style: chr21-14965798-C-T. GRCh37 (hg19) VCF-style: chr21-16338119-C-T.
Other names: short protein forms E799K.
Identifiers: ClinVar variation 2410448 (VCV002410448.3), dbSNP rs140352316, ClinGen allele CA9981148.
Genomic context (GRCh38, chr21:14,965,798, plus strand): 5'-GCAGACCATTCTTGGAGAAAGAAAAATCCTGAGGTGAAACAGGCTCCGATTTAAAGTCTT[C>T]GGACACTGGTAAGGCAGGTGCGCTTCTCTGCACAGCAGGAGCCATACCCAAGAATGGGGC-3'
Protein context (NP_003480.2, residues 789-809): QRSAPALPVS[Glu799Lys]DFKSEPVSPQ

ClinVar aggregate classification (germline): Uncertain significance. Review status: criteria provided, multiple submitters, no conflicts (2 of 4 stars). 2 submissions from 2 submitters: Uncertain significance (2). Last evaluated 2025-05-10.

Conditions:
Inborn genetic diseases. Identifiers: MedGen C0950123, MeSH D030342.

Allele frequency attached by ClinVar (database versions not stated): gnomAD exomes 0.00002; ExAC 0.00005; ESP Exome Variant Server 0.00008; gnomAD 0.00008; TOPMed 0.00012.
gnomAD v4.1: 42 of 1,613,836 alleles (0.0026%); highest among the groups gnomAD compares: African/African-American, 0.025%; no homozygotes.

Submissions (2):

Labcorp Genetics (formerly Invitae), Labcorp
Classification: Uncertain significance. Last evaluated: 2025-05-10. Review status: criteria provided, single submitter. Criteria: Invitae Variant Classification Sherloc (09022015). Collection method: clinical testing. Allele origin: germline.
Comment: This sequence change replaces glutamic acid, which is acidic and polar, with lysine, which is basic and polar, at codon 799 of the NRIP1 protein (p.Glu799Lys). This variant is present in population databases (rs140352316, gnomAD 0.04%). This variant has not been reported in the literature in individuals affected with NRIP1-related conditions. ClinVar contains an entry for this variant (Variation ID: 2410448). An algorithm developed to predict the effect of missense changes on protein structure and function (PolyPhen-2) suggests that this variant is likely to be disruptive. In summary, the available evidence is currently insufficient to determine the role of this variant in disease. Therefore, it has been classified as a Variant of Uncertain Significance.

Ambry Genetics
Classification: Uncertain significance for Inborn genetic diseases. Last evaluated: 2022-11-17. Review status: criteria provided, single submitter. Criteria: Ambry Variant Classification Scheme 2023. Collection method: clinical testing. Allele origin: germline.